The following is an entry in ClinVar:

NM_005101.4(ISG15):c.442G>A (p.Val148Met)

Gene: ISG15 (ISG15 ubiquitin like modifier; plus strand). Cytogenetic location: 1p36.33.
Variant type: single nucleotide variant.
Coding change: c.442G>A on transcript NM_005101.4 (MANE Select); coding-DNA position 442, G replaced by A.
Protein change: p.Val148Met; replaces valine 148 with methionine.
Molecular consequence: missense variant.
Genome position (GRCh38, 1-based): chr1:1,014,422, G>A. VCF-style: chr1-1014422-G-A. GRCh37 (hg19) VCF-style: chr1-949802-G-A.
Other names: c.442G>A, p.Val148Met (LRG_1231t1); short protein forms V148M.
Identifiers: ClinVar variation 658718 (VCV000658718.10), dbSNP rs202194159, ClinGen allele CA507713.

ClinVar aggregate classification (germline): Uncertain significance. Review status: criteria provided, multiple submitters, no conflicts (2 of 4 stars). 3 submissions from 3 submitters: Uncertain significance (3). Last evaluated 2025-12-20.

Conditions:
Mendelian susceptibility to mycobacterial diseases due to complete ISG15 deficiency. Also called: IMMUNODEFICIENCY 38, MYCOBACTERIOSIS, AUTOSOMAL RECESSIVE; ISG15 DEFICIENCY, AUTOSOMAL RECESSIVE; Immunodeficiency 38 with basal ganglia calcification; Immunodeficiency 38. Identifiers: Orphanet 319563, MedGen C4015293, MONDO:0014502, OMIM 616126.

Allele frequency attached by ClinVar (database versions not stated): gnomAD 0.00003; ESP Exome Variant Server 0.00008; TOPMed 0.00012; 1000 Genomes Project 0.00020; 1000 Genomes Project 30x 0.00031.
gnomAD v4.1: 464 of 1,612,550 alleles (0.029%); highest among the groups gnomAD compares: Non-Finnish European, 0.037%; no homozygotes.

Submissions (3):

Labcorp Genetics (formerly Invitae), Labcorp
Classification: Uncertain significance for Mendelian susceptibility to mycobacterial diseases due to complete ISG15 deficiency. Last evaluated: 2025-12-20. Review status: criteria provided, single submitter. Criteria: Invitae Variant Classification Sherloc (09022015). Collection method: clinical testing. Allele origin: germline.
Comment: This sequence change replaces valine, which is neutral and non-polar, with methionine, which is neutral and non-polar, at codon 148 of the ISG15 protein (p.Val148Met). This variant is present in population databases (rs202194159, gnomAD 0.02%). This variant has not been reported in the literature in individuals affected with ISG15-related conditions. ClinVar contains an entry for this variant (Variation ID: 658718). An algorithm developed to predict the effect of missense changes on protein structure and function (PolyPhen-2) suggests that this variant is likely to be disruptive. In summary, the available evidence is currently insufficient to determine the role of this variant in disease. Therefore, it has been classified as a Variant of Uncertain Significance.

Blueprint Genetics
Classification: Uncertain significance. Last evaluated: 2024-06-06. Review status: criteria provided, single submitter. Criteria: ACMG Guidelines, 2015. Collection method: clinical testing. Allele origin: germline.

Revvity Omics, Revvity
Classification: Uncertain significance for Mendelian susceptibility to mycobacterial diseases due to complete ISG15 deficiency. Last evaluated: 2021-06-29. Review status: criteria provided, single submitter. Criteria: ACMG Guidelines, 2015. Collection method: clinical testing. Allele origin: germline.